The following is an entry in ClinVar:

ClinVar aggregate classification (germline): Uncertain significance. Review status: criteria provided, multiple submitters, no conflicts (2 of 4 stars). 7 submissions from 7 submitters: Uncertain significance (7). Last evaluated 2024-10-24.

Conditions:
Cobalamin C disease. Also called: Methylmalonic aciduria and homocystinuria, Vitamin B12-responsive; Vitamin B12 metabolic defect with combined deficiency of methylmalonyl-CoA mutase and homocysteine:methyltetrahydrofolate methyltransferase; methylmalonic aciduria and homocystinuria type cblC; Methylmalonic aciduria with homocystinuria cblC type; Cobalamin-C methylmalonic acidemia and homocystinuria; Methylmalonic acidemia and homocystinuria cblC type. Identifiers: Orphanet 26, Orphanet 79282, MedGen C1848561, MONDO:0010184, OMIM 277400.
Inborn genetic diseases. Identifiers: MedGen C0950123, MeSH D030342.

Allele frequency attached by ClinVar (database versions not stated): gnomAD 0.00002 and 0.00003; gnomAD exomes 0.00004 and 0.00009; ExAC 0.00008; TOPMed 0.00013; 1000 Genomes Project 30x 0.00016; 1000 Genomes Project 0.00020.
gnomAD v4.1: 64 of 1,614,054 alleles (0.004%); highest among the groups gnomAD compares: East Asian, 0.12%; no homozygotes.

Submissions (7):

Labcorp Genetics (formerly Invitae), Labcorp
Classification: Uncertain significance for Cobalamin C disease. Last evaluated: 2024-10-24. Review status: criteria provided, single submitter. Criteria: Invitae Variant Classification Sherloc (09022015). Collection method: clinical testing. Allele origin: germline.
Comment: This sequence change replaces alanine, which is neutral and non-polar, with valine, which is neutral and non-polar, at codon 228 of the MMACHC protein (p.Ala228Val). This variant is present in population databases (rs201269886, gnomAD 0.1%). This missense change has been observed in individual(s) with clinical features of MMACHC-related conditions (PMID: 30157807, 36184083, 37466676). ClinVar contains an entry for this variant (Variation ID: 288244). Invitae Evidence Modeling of protein sequence and biophysical properties (such as structural, functional, and spatial information, amino acid conservation, physicochemical variation, residue mobility, and thermodynamic stability) has been performed for this missense variant. However, the output from this modeling did not meet the statistical confidence thresholds required to predict the impact of this variant on MMACHC protein function. In summary, the available evidence is currently insufficient to determine the role of this variant in disease. Therefore, it has been classified as a Variant of Uncertain Significance.

Ambry Genetics
Classification: Uncertain significance for Inborn genetic diseases. Last evaluated: 2024-03-04. Review status: criteria provided, single submitter. Criteria: Ambry Variant Classification Scheme 2023. Collection method: clinical testing. Allele origin: germline.

Precision Medicine Center, Zhengzhou University
Classification: Uncertain significance for Cobalamin C disease. Last evaluated: 2023-12-01. Review status: criteria provided, single submitter. Criteria: ACMG Guidelines, 2015. Collection method: clinical testing. Allele origin: paternal. Affected: yes.
Comment: PM2_p,PM3,PP3

Fulgent Genetics
Classification: Uncertain significance for Cobalamin C disease. Last evaluated: 2022-04-25. Review status: criteria provided, single submitter. Criteria: ACMG Guidelines, 2015. Collection method: clinical testing. Allele origin: unknown.

Genome-Nilou Lab
Classification: Uncertain significance for Cobalamin C disease. Last evaluated: 2021-07-14. Review status: criteria provided, single submitter. Criteria: ACMG Guidelines, 2015. Collection method: clinical testing. Allele origin: germline. Affected: no.

Eurofins Ntd Llc (ga)
Classification: Uncertain significance. Last evaluated: 2016-05-19. Review status: criteria provided, single submitter. Criteria: EGL Classification Definitions 2015. Collection method: clinical testing. Allele origin: germline. Observed: 1 variant allele, 1 heterozygote.

Juno Genomics, Hangzhou Juno Genomics, Inc
Classification: Uncertain significance for Cobalamin C disease. Review status: criteria provided, single submitter. Criteria: ACMG Guidelines, 2015. Collection method: clinical testing. Allele origin: germline.
Comment: Absent from controls (or at extremely low frequency if recessive) in Genome Aggregation Database.;For recessive disorders, detected in trans with a pathogenic variant.;Patient's phenotype or family history is highly specific for a disease with a single genetic etiology.

Literature cited by the submitters: PubMed 30157807 (cited by 3 submitters); PubMed 36184083 (cited by Labcorp Genetics (formerly Invitae), Labcorp and Ambry Genetics); PubMed 37466676 (cited by Labcorp Genetics (formerly Invitae), Labcorp); PubMed 35361390 (cited by Ambry Genetics).

NM_015506.3(MMACHC):c.683C>T (p.Ala228Val)

Genes: MMACHC (metabolism of cobalamin associated C; plus strand), LOC129930446 (ATAC-STARR-seq lymphoblastoid active region 972; plus strand). Cytogenetic location: 1p34.1.
Variant type: single nucleotide variant.
Coding change: c.683C>T on transcript NM_015506.3 (MANE Select); coding-DNA position 683, C replaced by T.
Protein change: p.Ala228Val; replaces alanine 228 with valine.
Molecular consequence: missense variant.
Genome position (GRCh38, 1-based): chr1:45,509,049, C>T. VCF-style: chr1-45509049-C-T. GRCh37 (hg19) VCF-style: chr1-45974721-C-T.
Other names: c.512C>T, p.Ala171Val (NM_001330540.2); short protein forms A228V, A171V.
Identifiers: ClinVar variation 288244 (VCV000288244.16), dbSNP rs201269886, ClinGen allele CA827829.